The following is an entry in ClinVar:

NM_004415.4(DSP):c.2301A>C (p.Leu767Phe)

Gene: DSP (desmoplakin; plus strand). Cytogenetic location: 6p24.3.
Variant type: single nucleotide variant.
Coding change: c.2301A>C on transcript NM_004415.4 (MANE Select); coding-DNA position 2301, A replaced by C.
Protein change: p.Leu767Phe; replaces leucine 767 with phenylalanine.
Molecular consequence: missense variant.
Genome position (GRCh38, 1-based): chr6:7,574,660, A>C. VCF-style: chr6-7574660-A-C. GRCh37 (hg19) VCF-style: chr6-7574893-A-C.
Other names: c.2301A>C, p.Leu767Phe (NM_001008844.3, NM_001319034.2); short protein forms L767F.
Identifiers: ClinVar variation 1019941 (VCV001019941.9), dbSNP rs1759176601, ClinGen allele CA362681023.

ClinVar aggregate classification (germline): Uncertain significance (1 of 4 stars; one submission).

Conditions:
Arrhythmogenic right ventricular dysplasia 8 (ARVD8). Also called: ARRHYTHMOGENIC RIGHT VENTRICULAR DYSPLASIA, FAMILIAL, 8; Arrhythmogenic Right Ventricular Dysplasia/Cardiomyopathy 8; ARRHYTHMOGENIC RIGHT VENTRICULAR CARDIOMYOPATHY 8. Identifiers: MedGen C1843896, MONDO:0011831, OMIM 607450.
Arrhythmogenic cardiomyopathy with wooly hair and keratoderma. Also called: Dilated cardiomyopathy with woolly hair and keratoderma; Carvajal syndrome; Arrhythmogenic cardiomyopathy with woolly hair and keratoderma; PALMOPLANTAR KERATODERMA WITH LEFT VENTRICULAR CARDIOMYOPATHY AND WOOLLY HAIR. Identifiers: Orphanet 65282, MedGen C1854063, MONDO:0011581, OMIM 605676.

Submission:

Labcorp Genetics (formerly Invitae), Labcorp
Classification: Uncertain significance for Arrhythmogenic cardiomyopathy with wooly hair and keratoderma; Arrhythmogenic right ventricular dysplasia 8. Last evaluated: 2020-10-05. Review status: criteria provided, single submitter. Criteria: Invitae Variant Classification Sherloc (09022015). Collection method: clinical testing. Allele origin: germline.
Comment: This sequence change replaces leucine with phenylalanine at codon 767 of the DSP protein (p.Leu767Phe). The leucine residue is highly conserved and there is a small physicochemical difference between leucine and phenylalanine. This variant is not present in population databases (ExAC no frequency). This variant has not been reported in the literature in individuals with DSP-related conditions. Algorithms developed to predict the effect of missense changes on protein structure and function are either unavailable or do not agree on the potential impact of this missense change (SIFT: "Deleterious"; PolyPhen-2: "Benign"; Align-GVGD: "Class C15"). In summary, the available evidence is currently insufficient to determine the role of this variant in disease. Therefore, it has been classified as a Variant of Uncertain Significance.